The following is an entry in ClinVar:

ClinVar aggregate classification (germline): Uncertain significance. Review status: criteria provided, multiple submitters, no conflicts (2 of 4 stars). 2 submissions from 2 submitters: Uncertain significance (2). Last evaluated 2024-01-29.

Submissions (2):

Ambry Genetics
Classification: Uncertain significance. Last evaluated: 2024-01-29. Review status: criteria provided, single submitter. Criteria: Ambry Variant Classification Scheme 2023. Collection method: clinical testing. Allele origin: germline.

GeneDx
Classification: Uncertain significance. Last evaluated: 2023-11-16. Review status: criteria provided, single submitter. Criteria: GeneDx Variant Classification Process June 2021. Collection method: clinical testing. Allele origin: germline. Affected: yes.
Comment: Not observed at significant frequency in large population cohorts (gnomAD); In silico analysis supports that this missense variant does not alter protein structure/function; Has not been previously published as pathogenic or benign to our knowledge

NM_153614.4(DNAJB13):c.40A>G (p.Asn14Asp)

Gene: DNAJB13 (DnaJ heat shock protein family (Hsp40) member B13; plus strand). Cytogenetic location: 11q13.4.
Variant type: single nucleotide variant.
Coding change: c.40A>G on transcript NM_153614.4 (MANE Select); coding-DNA position 40, A replaced by G.
Protein change: p.Asn14Asp; replaces asparagine 14 with aspartic acid.
Molecular consequence: missense variant. On other transcripts: 5 prime UTR variant (1).
Genome position (GRCh38, 1-based): chr11:73,951,109, A>G. VCF-style: chr11-73951109-A-G. GRCh37 (hg19) VCF-style: chr11-73662154-A-G.
Other names: c.-266A>G (NM_001377263.1); c.40A>G (NM_153614.3); short protein forms N14D.
Identifiers: ClinVar variation 3084391 (VCV003084391.2), dbSNP rs2495774027, ClinGen allele CA381802660.